The following is an entry in ClinVar:

NM_206933.4(USH2A):c.2017T>C (p.Cys673Arg)

Gene: USH2A (usherin; minus strand). Cytogenetic location: 1q41.
Variant type: single nucleotide variant.
Coding change: c.2017T>C on transcript NM_206933.4 (MANE Select); coding-DNA position 2017, T replaced by C.
Protein change: p.Cys673Arg; replaces cysteine 673 with arginine.
Molecular consequence: missense variant.
Genome position (GRCh38, 1-based): chr1:216,251,053, A>G on the plus strand (T>C on the coding strand, the complement: USH2A is on the minus strand). VCF-style: chr1-216251053-A-G. GRCh37 (hg19) VCF-style: chr1-216424395-A-G.
Other names: c.2017T>C, p.Cys673Arg (NM_007123.6); short protein forms C673R.
Identifiers: ClinVar variation 1715406 (VCV001715406.5), dbSNP rs2528171978, ClinGen allele CA344866675.

ClinVar aggregate classification (germline): Uncertain significance (1 of 4 stars; one submission).

Submission:

Labcorp Genetics (formerly Invitae), Labcorp
Classification: Uncertain significance. Last evaluated: 2024-11-07. Review status: criteria provided, single submitter. Criteria: Invitae Variant Classification Sherloc (09022015). Collection method: clinical testing. Allele origin: germline.
Comment: This sequence change replaces cysteine, which is neutral and slightly polar, with arginine, which is basic and polar, at codon 673 of the USH2A protein (p.Cys673Arg). This variant is not present in population databases (gnomAD no frequency). This variant has not been reported in the literature in individuals affected with USH2A-related conditions. ClinVar contains an entry for this variant (Variation ID: 1715406). Invitae Evidence Modeling of protein sequence and biophysical properties (such as structural, functional, and spatial information, amino acid conservation, physicochemical variation, residue mobility, and thermodynamic stability) indicates that this missense variant is expected to disrupt USH2A protein function with a positive predictive value of 95%. In summary, the available evidence is currently insufficient to determine the role of this variant in disease. Therefore, it has been classified as a Variant of Uncertain Significance.